The following is an entry in ClinVar:

NM_001048174.2(MUTYH):c.606+12G>T

Gene: MUTYH (mutY DNA glycosylase; minus strand). Cytogenetic location: 1p34.1.
Variant type: single nucleotide variant.
Coding change: c.606+12G>T on transcript NM_001048174.2 (MANE Select); 12 bases into the intron after coding-DNA position 606, G replaced by T.
Molecular consequence: intron variant.
Genome position (GRCh38, 1-based): chr1:45,332,562, C>A on the plus strand (G>T on the coding strand, the complement: MUTYH is on the minus strand). VCF-style: chr1-45332562-C-A. GRCh37 (hg19) VCF-style: chr1-45798234-C-A.
Other names: c.261+12G>T (NM_001350651.2, NM_001350650.2); c.330+12G>T (NM_001293192.2, NM_001293196.2); c.606+12G>T (NM_001048171.2, NM_001048173.2, NM_001293195.2); c.651+12G>T (NM_001293190.2); c.681+12G>T (NM_012222.3); c.690+12G>T (NM_001128425.2); c.609+12G>T (NM_001048172.2); c.639+12G>T (NM_001293191.2).
Identifiers: ClinVar variation 386695 (VCV000386695.1), dbSNP rs1057522576, ClinGen allele CA16603708.

ClinVar aggregate classification (germline): Likely benign (1 of 4 stars; one submission).

Submission:

GeneDx
Classification: Likely benign. Last evaluated: 2016-05-31. Review status: criteria provided, single submitter. Criteria: GeneDx Variant Classification (06012015). Collection method: clinical testing. Allele origin: germline. Affected: yes.
Comment: This variant is considered likely benign or benign based on one or more of the following criteria: it is a conservative change, it occurs at a poorly conserved position in the protein, it is predicted to be benign by multiple in silico algorithms, and/or has population frequency not consistent with disease.